The following is an entry in ClinVar:

ClinVar aggregate classification (germline): Likely pathogenic (1 of 4 stars; one submission).

Conditions:
Dilated cardiomyopathy 1G (CMD1G). Identifiers: Orphanet 154, MedGen C1858763, MONDO:0011400, OMIM 604145.
Autosomal recessive limb-girdle muscular dystrophy type 2J (LGMDR10). Also called: Limb-girdle muscular dystrophy, type 2J; MUSCULAR DYSTROPHY, LIMB-GIRDLE, AUTOSOMAL RECESSIVE 10. Identifiers: Orphanet 140922, MedGen C1837342, MONDO:0012127, OMIM 608807.

Submission:

Labcorp Genetics (formerly Invitae), Labcorp
Classification: Likely pathogenic for Dilated cardiomyopathy 1G; Autosomal recessive limb-girdle muscular dystrophy type 2J. Last evaluated: 2020-11-10. Review status: criteria provided, single submitter. Criteria: Invitae Variant Classification Sherloc (09022015). Collection method: clinical testing. Allele origin: germline.
Comment: This variant is not present in population databases (ExAC no frequency). This variant has not been reported in the literature in individuals with TTN-related conditions. This variant is located in the A band of TTN (PMID: 25589632). Truncating variants in this region are significantly overrepresented in patients affected with dilated cardiomyopathy (PMID: 25589632). Truncating variants in this region have also been reported in individuals affected with autosomal recessive centronuclear myopathy (PMID: 23975875). In summary, the currently available evidence indicates that the variant is pathogenic, but additional data are needed to prove that conclusively. Therefore, this variant has been classified as Likely Pathogenic. This sequence change results in a premature translational stop signal in the TTN gene (p.Glu24429*). While this is not anticipated to result in nonsense mediated decay, it is expected to create a truncated TTN protein.

Literature cited by the submitters: PubMed 25589632; PubMed 23975875.

NM_001267550.2(TTN):c.73285G>T (p.Glu24429Ter)

Genes: TTN (titin; minus strand), TTN-AS1 (TTN antisense RNA 1; plus strand). Cytogenetic location: 2q31.2.
Variant type: single nucleotide variant.
Coding change: c.73285G>T on transcript NM_001267550.2 (MANE Select); coding-DNA position 73285, G replaced by T.
Protein change: p.Glu24429Ter; replaces glutamic acid 24429 with a stop codon.
Molecular consequence: nonsense.
Genome position (GRCh38, 1-based): chr2:178,572,847, C>A on the plus strand (G>T on the coding strand, the complement: TTN is on the minus strand). VCF-style: chr2-178572847-C-A. GRCh37 (hg19) VCF-style: chr2-179437574-C-A.
Other names: c.68362G>T, p.Glu22788Ter (NM_001256850.1); c.46090G>T, p.Glu15364Ter (NM_003319.4); c.65581G>T, p.Glu21861Ter (NM_133378.4); c.46465G>T, p.Glu15489Ter (NM_133432.3); c.46666G>T, p.Glu15556Ter (NM_133437.4); short protein forms E15364*, E15489*, E15556*, E21861*, E22788*, E24429*.
Identifiers: ClinVar variation 1065919 (VCV001065919.9), dbSNP rs373773552, ClinGen allele CA349642799.